The following is an entry in ClinVar:

ClinVar aggregate classification (germline): Pathogenic (1 of 4 stars; one submission).

Conditions:
Hereditary hemorrhagic telangiectasia (HHT). Also called: ORW DISEASE; Osler Weber Rendu syndrome; OSLER-RENDU-WEBER DISEASE; Osler hemorrhagic telangiectasia syndrome. Identifiers: Orphanet 774, MedGen C0039445, MONDO:0019180. Disease mechanism: loss of function.

Submission:

Labcorp Genetics (formerly Invitae), Labcorp
Classification: Pathogenic for Hereditary hemorrhagic telangiectasia. Last evaluated: 2021-12-08. Review status: criteria provided, single submitter. Criteria: Invitae Variant Classification Sherloc (09022015). Collection method: clinical testing. Allele origin: germline.
Comment: This variant has not been reported in the literature in individuals affected with ENG-related conditions. This sequence change creates a premature translational stop signal (p.Glu284Glyfs*75) in the ENG gene. It is expected to result in an absent or disrupted protein product. Loss-of-function variants in ENG are known to be pathogenic (PMID: 15879500). This variant is not present in population databases (gnomAD no frequency). Algorithms developed to predict the effect of sequence changes on RNA splicing suggest that this variant may create or strengthen a splice site. For these reasons, this variant has been classified as Pathogenic.

Literature cited by the submitters: PubMed 15879500.

NM_001114753.3(ENG):c.851del (p.Glu284fs)

Gene: ENG (endoglin; minus strand). Cytogenetic location: 9q34.11.
Variant type: Deletion.
Coding change: c.851del on transcript NM_001114753.3 (MANE Select); coding-DNA position 851, one base deleted (A; older notation c.851delA).
Protein change: p.Glu284fs; shifts the reading frame from glutamic acid 284.
Molecular consequence: frameshift variant.
Genome position (GRCh38, 1-based): chr9:127,824,940, T deleted on the plus strand (A on the coding strand, the reverse complement: ENG is on the minus strand). VCF-style (leftmost placement, unchanged base first): chr9-127824939-CT-C. GRCh37 (hg19) VCF-style: chr9-130587218-CT-C.
Other names: c.851delA, p.Glu284Glyfs (NM_000118.4, NM_001406715.1); c.305del, p.Glu102fs (NM_001278138.2); short protein forms E102fs, E284fs.
Identifiers: ClinVar variation 1438518 (VCV001438518.7), dbSNP rs2131887114, ClinGen allele CA2573143972.
Genomic context (GRCh38, chr9:127,824,939, plus strand): 5'-CCGGGCCTCCCCCAGGAGGCCTTGAGGTGTGTCTGGGAGCTTGAAGCCACGAATGTTTTT[CT>C]CTGGAAAGATCTTGAAGGAGTATTCTCCAGTGGTCTAATGGTGGGGAGAGAGGCAGAACA-3'